The following is an entry in ClinVar:

ClinVar aggregate classification (germline): Uncertain significance. Review status: criteria provided, multiple submitters, no conflicts (2 of 4 stars). 3 submissions from 3 submitters: Uncertain significance (3). Last evaluated 2025-11-16.

Conditions:
Hereditary cancer-predisposing syndrome. Also called: Tumor predisposition; Hereditary Cancer Syndrome; Neoplastic Syndromes, Hereditary; Hereditary neoplastic syndrome. Identifiers: Orphanet 140162, MedGen C0027672, MeSH D009386, MONDO:0015356.
Ataxia-telangiectasia syndrome (AT). Also called: Cerebello-oculocutaneous telangiectasia; Immunodeficiency with ataxia telangiectasia; Ataxia-telangiectasia, complementation group D; AT, COMPLEMENTATION GROUP C; Ataxia-telangiectasia, complementation group E; LOUIS-BAR SYNDROME. Identifiers: Orphanet 100, MedGen C0004135, MONDO:0008840, OMIM 208900.

Allele frequency attached by ClinVar (database versions not stated): gnomAD exomes below 0.00001.
gnomAD v4.1: 1 of 1,614,096 alleles (0.000062%); highest among the groups gnomAD compares: Non-Finnish European, 0.000085%; no homozygotes.

Submissions (3):

Ambry Genetics
Classification: Uncertain significance for Hereditary cancer-predisposing syndrome. Last evaluated: 2025-11-16. Review status: criteria provided, single submitter. Criteria: Ambry Variant Classification Scheme 2023. Collection method: clinical testing. Allele origin: germline.
Comment: The p.Y454H variant (also known as c.1360T>C), located in coding exon 9 of the ATM gene, results from a T to C substitution at nucleotide position 1360. The tyrosine at codon 454 is replaced by histidine, an amino acid with similar properties. This amino acid position is conserved. In addition, this alteration is predicted to be tolerated by in silico analysis. Based on the available evidence, the clinical significance of this variant remains unclear.

Illumina Laboratory Services, Illumina
Classification: Uncertain significance for Ataxia-telangiectasia syndrome. Last evaluated: 2018-01-12. Review status: criteria provided, single submitter. Criteria: ICSL Variant Classification Criteria 13 December 2019. Collection method: clinical testing. Allele origin: germline.

Labcorp Genetics (formerly Invitae), Labcorp
Classification: Uncertain significance for Ataxia-telangiectasia syndrome. Last evaluated: 2017-07-05. Review status: criteria provided, single submitter. Criteria: Invitae Variant Classification Sherloc (09022015). Collection method: clinical testing. Allele origin: germline.
Comment: In summary, the available evidence is currently insufficient to determine the role of this variant in disease. Therefore, it has been classified as a Variant of Uncertain Significance. Algorithms developed to predict the effect of missense changes on protein structure and function (SIFT, PolyPhen-2, Align-GVGD) all suggest that this variant is likely to be tolerated, but these predictions have not been confirmed by published functional studies and their clinical significance is uncertain. This variant has not been reported in the literature in individuals with ATM-related disease. This variant is not present in population databases (ExAC no frequency). This sequence change replaces tyrosine with histidine at codon 454 of the ATM protein (p.Tyr454His). The tyrosine residue is moderately conserved and there is a moderate physicochemical difference between tyrosine and histidine.

NM_000051.4(ATM):c.1360T>C (p.Tyr454His)

Gene: ATM (ATM serine/threonine kinase; plus strand). Cytogenetic location: 11q22.3.
Variant type: single nucleotide variant.
Coding change: c.1360T>C on transcript NM_000051.4 (MANE Select); coding-DNA position 1360, T replaced by C.
Protein change: p.Tyr454His; replaces tyrosine 454 with histidine.
Molecular consequence: missense variant.
Genome position (GRCh38, 1-based): chr11:108,250,825, T>C. VCF-style: chr11-108250825-T-C. GRCh37 (hg19) VCF-style: chr11-108121552-T-C.
Other names: c.1360T>C, p.Tyr454His (NM_001351834.2); short protein forms Y454H.
Identifiers: ClinVar variation 453361 (VCV000453361.12), dbSNP rs1555070814, ClinGen allele CA382533800.